The following is an entry in ClinVar:

ClinVar aggregate classification (germline): Pathogenic (1 of 4 stars; one submission).

Submission:

Labcorp Genetics (formerly Invitae), Labcorp
Classification: Pathogenic. Last evaluated: 2024-07-01. Review status: criteria provided, single submitter. Criteria: Invitae Variant Classification Sherloc (09022015). Collection method: clinical testing. Allele origin: germline.
Comment: This sequence change replaces phenylalanine, which is neutral and non-polar, with leucine, which is neutral and non-polar, at codon 89 of the NDP protein (p.Phe89Leu). This variant is not present in population databases (gnomAD no frequency). This missense change has been observed in individual(s) with Norrie disease (PMID: 20340138, 26011961; Invitae). It has also been observed to segregate with disease in related individuals. Advanced modeling of protein sequence and biophysical properties (such as structural, functional, and spatial information, amino acid conservation, physicochemical variation, residue mobility, and thermodynamic stability) has been performed at Invitae for this missense variant, however the output from this modeling did not meet the statistical confidence thresholds required to predict the impact of this variant on NDP protein function. For these reasons, this variant has been classified as Pathogenic.

Literature cited by the submitters: PubMed 20340138; PubMed 26011961.

NM_000266.4(NDP):c.265T>C (p.Phe89Leu)

Genes: NDP (norrin cystine knot growth factor NDP; minus strand), NDP-AS1 (NDP antisense RNA 1; plus strand). Cytogenetic location: Xp11.3.
Variant type: single nucleotide variant.
Coding change: c.265T>C on transcript NM_000266.4 (MANE Select); coding-DNA position 265, T replaced by C.
Protein change: p.Phe89Leu; replaces phenylalanine 89 with leucine.
Molecular consequence: missense variant. On other transcripts: non-coding transcript variant (1).
Genome position (GRCh38, 1-based): chrX:43,949,936, A>G on the plus strand (T>C on the coding strand, the complement: NDP is on the minus strand). VCF-style: chrX-43949936-A-G. GRCh37 (hg19) VCF-style: chrX-43809182-A-G.
Other names: short protein forms F89L.
Identifiers: ClinVar variation 3653663 (VCV003653663.2).